The following is an entry in ClinVar:

ClinVar aggregate classification (germline): Pathogenic (1 of 4 stars; one submission).

Conditions:
Hereditary nonpolyposis colorectal neoplasms. Identifiers: MedGen C0009405, MeSH D003123.

Submission:

Labcorp Genetics (formerly Invitae), Labcorp
Classification: Pathogenic for Hereditary nonpolyposis colorectal neoplasms. Last evaluated: 2025-05-03. Review status: criteria provided, single submitter. Criteria: Invitae Variant Classification Sherloc (09022015). Collection method: clinical testing. Allele origin: germline.
Comment: This sequence change creates a premature translational stop signal (p.Ala1306Tyrfs*6) in the MSH6 gene. It is expected to result in an absent or disrupted protein product. Loss-of-function variants in MSH6 are known to be pathogenic (PMID: 18269114, 24362816). This variant is not present in population databases (gnomAD no frequency). This variant has not been reported in the literature in individuals affected with MSH6-related conditions. ClinVar contains an entry for this variant (Variation ID: 3645101). For these reasons, this variant has been classified as Pathogenic.

Literature cited by the submitters: PubMed 18269114; PubMed 24362816.

NM_000179.3(MSH6):c.3916_3935del (p.Ala1306fs)

Gene: MSH6 (mutS homolog 6; plus strand). Cytogenetic location: 2p16.3.
Variant type: Deletion.
Coding change: c.3916_3935del on transcript NM_000179.3 (MANE Select); coding-DNA positions 3916 to 3935, 20 bases deleted (GCTAATCTCCCAGAGGAAGT).
Protein change: p.Ala1306fs; shifts the reading frame from alanine 1306.
Molecular consequence: frameshift variant. On other transcripts: intron variant (1), non-coding transcript variant (5).
Genome position (GRCh38, 1-based): chr2:47,806,566-47,806,585, GCTAATCTCCCAGAGGAAGT deleted; deleting any 20 consecutive bases within chr2:47,806,565-47,806,585 gives the same sequence; the c. name uses the placement nearest the transcript's 3' end. VCF-style (leftmost placement, unchanged base first): chr2-47806564-TTGCTAATCTCCCAGAGGAAG-T. GRCh37 (hg19) VCF-style: chr2-48033703-TTGCTAATCTCCCAGAGGAAG-T.
Other names: c.3526_3545del, p.Ala1176fs (NM_001281492.2); c.3010_3029del, p.Ala1004fs (NM_001281493.2, NM_001281494.2, NM_001406811.1 and 6 more transcripts); c.4012_4031del, p.Ala1338fs (NM_001406795.1); c.3916_3935del, p.Ala1306fs (NM_001406796.1, NM_001406808.1, NM_001406809.1); c.3619_3638del, p.Ala1207fs (NM_001406797.1, NM_001406801.1, NM_001406805.1 and 10 more transcripts); c.3742_3761del, p.Ala1248fs (NM_001406798.1); c.3391_3410del, p.Ala1131fs (NM_001406799.1, NM_001406806.1, NM_001406807.1); c.3903_3922del, p.Leu1301fs (NM_001406800.1); and 9 more; short protein forms A1176fs, A1280fs, A1308fs, A621fs, A1004fs, A1207fs, A1306fs, A784fs.
Identifiers: ClinVar variation 3645101 (VCV003645101.2).